The following is an entry in ClinVar:

ClinVar aggregate classification (germline): Uncertain significance. Review status: criteria provided, multiple submitters, no conflicts (2 of 4 stars). 3 submissions from 3 submitters: Uncertain significance (3). Last evaluated 2024-07-16.

Conditions:
Neuropathy, hereditary sensory and autonomic, type 2A (HSAN2A). Also called: HSAN IIA; WNK1-Related HSAN2 (HSAN2A); MORVAN DISEASE; NEUROPATHY, CONGENITAL SENSORY; NEUROPATHY, HEREDITARY SENSORY RADICULAR, AUTOSOMAL RECESSIVE; NEUROPATHY, HEREDITARY SENSORY, TYPE IIA. Identifiers: Orphanet 970, MedGen C2752089, MONDO:0024309, OMIM 201300.
Pseudohypoaldosteronism type 2C (PHA2C). Also called: Pseudohypoaldosteronism Type IIC. Identifiers: Orphanet 757, Orphanet 88940, MedGen C1840391, MONDO:0013778, OMIM 614492.

Allele frequency attached by ClinVar (database versions not stated): ExAC 0.00001; gnomAD 0.00001 and 0.00002; gnomAD exomes 0.00001 and 0.00003; TOPMed 0.00002.
gnomAD v4.1: 45 of 1,614,022 alleles (0.0028%); highest among the groups gnomAD compares: Non-Finnish European, 0.0036%; no homozygotes.

Submissions (3):

Labcorp Genetics (formerly Invitae), Labcorp
Classification: Uncertain significance for Neuropathy, hereditary sensory and autonomic, type 2A; Pseudohypoaldosteronism type 2C. Last evaluated: 2024-07-16. Review status: criteria provided, single submitter. Criteria: Invitae Variant Classification Sherloc (09022015). Collection method: clinical testing. Allele origin: germline.
Comment: This sequence change replaces threonine, which is neutral and polar, with isoleucine, which is neutral and non-polar, at codon 1600 of the WNK1 protein (p.Thr1600Ile). This variant is present in population databases (rs746601991, gnomAD 0.007%). This variant has not been reported in the literature in individuals affected with WNK1-related conditions. ClinVar contains an entry for this variant (Variation ID: 538502). Advanced modeling of protein sequence and biophysical properties (such as structural, functional, and spatial information, amino acid conservation, physicochemical variation, residue mobility, and thermodynamic stability) performed at Invitae indicates that this missense variant is not expected to disrupt WNK1 protein function with a negative predictive value of 95%. In summary, the available evidence is currently insufficient to determine the role of this variant in disease. Therefore, it has been classified as a Variant of Uncertain Significance.

Fulgent Genetics
Classification: Uncertain significance for Neuropathy, hereditary sensory and autonomic, type 2A; Pseudohypoaldosteronism type 2C. Last evaluated: 2021-07-09. Review status: criteria provided, single submitter. Criteria: ACMG Guidelines, 2015. Collection method: clinical testing. Allele origin: unknown.

Illumina Laboratory Services, Illumina
Classification: Uncertain significance for Pseudohypoaldosteronism type 2C. Last evaluated: 2018-01-12. Review status: criteria provided, single submitter. Criteria: ICSL Variant Classification Criteria 13 December 2019. Collection method: clinical testing. Allele origin: germline.

NM_018979.4(WNK1):c.4043C>T (p.Thr1348Ile)

Gene: WNK1 (WNK lysine deficient protein kinase 1; plus strand). Cytogenetic location: 12p13.33.
Variant type: single nucleotide variant.
Coding change: c.4043C>T on transcript NM_018979.4 (MANE Select); coding-DNA position 4043, C replaced by T.
Protein change: p.Thr1348Ile; replaces threonine 1348 with isoleucine.
Molecular consequence: missense variant.
Genome position (GRCh38, 1-based): chr12:884,847, C>T. VCF-style: chr12-884847-C-T. GRCh37 (hg19) VCF-style: chr12-994013-C-T.
Other names: c.4823C>T, p.Thr1608Ile (NM_001184985.2); c.3302C>T, p.Thr1101Ile (NM_014823.3); c.4799C>T, p.Thr1600Ile (NM_213655.5); short protein forms T1600I, T1348I, T1101I, T1608I.
Identifiers: ClinVar variation 538502 (VCV000538502.15), dbSNP rs746601991, ClinGen allele CA6382909.
Genomic context (GRCh38, chr12:884,847, plus strand): 5'-ATACAGGACCAACATTTCCAGTAGTACCTCCTTTCTTAAGTAGCATTGCTGGAGTCCCAA[C>T]CACAGCAGCAGCCACAGCACCAGTCCCTGCAACAAGCAGCCCTCCTAATGACATTTCCAC-3'
Protein context (NP_061852.3, residues 1338-1358): PFLSSIAGVP[Thr1348Ile]TAAATAPVPA